The following is an entry in ClinVar:

ClinVar aggregate classification (germline): Uncertain significance (1 of 4 stars; one submission).

Conditions:
Cardiovascular phenotype. Identifiers: MedGen CN230736.

gnomAD v4.1: 1 of 1,614,212 alleles (0.000062%); no homozygotes.

Submission:

Ambry Genetics
Classification: Uncertain significance for Cardiovascular phenotype. Last evaluated: 2026-01-24. Review status: criteria provided, single submitter. Criteria: Ambry Variant Classification Scheme 2023. Collection method: clinical testing. Allele origin: germline.
Comment: The p.L519V variant (also known as c.1555C>G), located in coding exon 12 of the ENG gene, results from a C to G substitution at nucleotide position 1555. The leucine at codon 519 is replaced by valine, an amino acid with highly similar properties. This amino acid position is conserved. In addition, this alteration is predicted to be tolerated by in silico analysis. Based on the available evidence, the clinical significance of this variant remains unclear.

NM_001114753.3(ENG):c.1555C>G (p.Leu519Val)

Genes: ENG (endoglin; minus strand), LOC102723566 (uncharacterized LOC102723566; plus strand). Cytogenetic location: 9q34.11.
Variant type: single nucleotide variant.
Coding change: c.1555C>G on transcript NM_001114753.3 (MANE Select); coding-DNA position 1555, C replaced by G.
Protein change: p.Leu519Val; replaces leucine 519 with valine.
Molecular consequence: missense variant.
Genome position (GRCh38, 1-based): chr9:127,818,251, G>C on the plus strand (C>G on the coding strand, the complement: ENG is on the minus strand). VCF-style: chr9-127818251-G-C. GRCh37 (hg19) VCF-style: chr9-130580530-G-C.
Other names: c.1555C>G, p.Leu519Val (NM_000118.4); c.1009C>G, p.Leu337Val (NM_001278138.2); short protein forms L519V, L337V.
Identifiers: ClinVar variation 4843423 (VCV004843423.1).